The following is an entry in ClinVar:

NM_000337.6(SGCD):c.*4092A>G

Gene: SGCD (sarcoglycan delta; plus strand). Cytogenetic location: 5q33.3.
Variant type: single nucleotide variant.
Coding change: c.*4092A>G on transcript NM_000337.6 (MANE Select); 4092 bases downstream of the stop codon, A replaced by G.
Molecular consequence: 3 prime UTR variant.
Genome position (GRCh38, 1-based): chr5:156,763,482, A>G. VCF-style: chr5-156763482-A-G. GRCh37 (hg19) VCF-style: chr5-156190493-A-G.
Other names: NC_000005.9:g.156190493A>G; c.*4092A>G (NM_001128209.2).
Identifiers: ClinVar variation 352384 (VCV000352384.11), dbSNP rs56389540, ClinGen allele CA10623861.
Genomic context (GRCh38, chr5:156,763,482, plus strand): 5'-GTATTGGAAAAAGCAAAATACATGGGGACAAAAAAAATACAGTGAAATTCTTTTTATCAA[A>G]CTGATGCTGTGAGAAACCAGATGAATGCCAGTTTGGCTTTATTTCTAAGAATCTGGGTCT-3'

ClinVar aggregate classification (germline): Benign/Likely benign. Review status: criteria provided, multiple submitters, no conflicts (2 of 4 stars). 5 submissions from 4 submitters: Benign (4); Likely benign (1). Last evaluated 2023-02-08.

Conditions:
Qualitative or quantitative defects of delta-sarcoglycan. Identifiers: Orphanet 207070, MedGen C5680806, MONDO:0016144.
Autosomal recessive limb-girdle muscular dystrophy type 2F (LGMDR6). Also called: MUSCULAR DYSTROPHY, LIMB-GIRDLE, AUTOSOMAL RECESSIVE 6; Muscular dystrophy limb-girdle with delta-sarcoglyan deficiency. Identifiers: Orphanet 219, MedGen C1832525, MONDO:0011028, OMIM 601287. Disease mechanism: Affects gamma-sarcoglycan and also disrupts the integrity of the entire sarcoglycan complex..
Dilated cardiomyopathy 1L (CMD1L). Identifiers: Orphanet 154, MedGen C1847667, MONDO:0011702, OMIM 606685.

Allele frequency attached by ClinVar (database versions not stated): gnomAD exomes 0.03462; gnomAD 0.09597 and 0.09897; TOPMed 0.10643; 1000 Genomes Project 0.10663; 1000 Genomes Project 30x 0.11071.
gnomAD v4.1: 14,570 of 152,524 alleles (9.6%); highest among the groups gnomAD compares: African/African-American, 21%; 1,096 homozygotes.

Submissions (21):

Genome-Nilou Lab
Classification: Benign for Autosomal recessive limb-girdle muscular dystrophy type 2F. Last evaluated: 2023-02-08. Review status: criteria provided, single submitter. Criteria: ACMG Guidelines, 2015. Collection method: clinical testing. Allele origin: germline.

Genome-Nilou Lab
Classification: Benign for Dilated cardiomyopathy 1L. Last evaluated: 2023-02-08. Review status: criteria provided, single submitter. Criteria: ACMG Guidelines, 2015. Collection method: clinical testing. Allele origin: germline.

GeneDx
Classification: Benign. Last evaluated: 2021-05-15. Review status: criteria provided, single submitter. Criteria: GeneDx Variant Classification Process June 2021. Collection method: clinical testing. Allele origin: germline. Affected: yes.

Illumina Laboratory Services, Illumina
Classification: Benign for Qualitative or quantitative defects of delta-sarcoglycan. Last evaluated: 2018-01-12. Review status: criteria provided, single submitter. Criteria: ICSL Variant Classification Criteria 13 December 2019. Collection method: clinical testing. Allele origin: germline.
Comment: This variant was observed in the ICSL laboratory as part of a predisposition screen in an ostensibly healthy population. It had not been previously curated by ICSL or reported in the Human Gene Mutation Database (HGMD: prior to June 1st, 2018), and was therefore a candidate for classification through an automated scoring system. Utilizing variant allele frequency, disease prevalence and penetrance estimates, and inheritance mode, an automated score was calculated to assess if this variant is too frequent to cause the disease. Based on the score and internal cut-off values, a variant classified as benign is not then subjected to further curation. The score for this variant resulted in a classification of benign for this disease.

Breakthrough Genomics
Classification: Likely benign. Review status: criteria provided, single submitter. Criteria: ACMG Guidelines, 2015. Collection method: not provided. Allele origin: germline. Inheritance: Autosomal recessive inheritance. Affected: yes.

Dr. Peter K. Rogan Lab, Western University
No classification provided (evidence only). Condition: Uterine corpus endometrial carcinoma. Review status: no classification provided. Collection method: in vitro. Allele origin: not applicable. Functional consequence: retained intron. Not counted in ClinVar's aggregate classification.

Dr. Peter K. Rogan Lab, Western University
No classification provided (evidence only). Condition: Sarcoma. Review status: no classification provided. Collection method: in vitro. Allele origin: not applicable. Functional consequence: retained intron. Not counted in ClinVar's aggregate classification.

Dr. Peter K. Rogan Lab, Western University
No classification provided (evidence only). Condition: Sarcoma. Review status: no classification provided. Collection method: in vitro. Allele origin: not applicable. Functional consequence: retained intron. Not counted in ClinVar's aggregate classification.

Dr. Peter K. Rogan Lab, Western University
No classification provided (evidence only). Condition: Thymoma. Review status: no classification provided. Collection method: in vitro. Allele origin: not applicable. Functional consequence: retained intron. Not counted in ClinVar's aggregate classification.

Dr. Peter K. Rogan Lab, Western University
No classification provided (evidence only). Condition: Thymoma. Review status: no classification provided. Collection method: in vitro. Allele origin: not applicable. Functional consequence: retained intron. Not counted in ClinVar's aggregate classification.

Dr. Peter K. Rogan Lab, Western University
No classification provided (evidence only). Condition: Thymoma. Review status: no classification provided. Collection method: in vitro. Allele origin: not applicable. Functional consequence: retained intron. Not counted in ClinVar's aggregate classification.

Dr. Peter K. Rogan Lab, Western University
No classification provided (evidence only). Condition: Thymoma. Review status: no classification provided. Collection method: in vitro. Allele origin: not applicable. Functional consequence: retained intron. Not counted in ClinVar's aggregate classification.

Dr. Peter K. Rogan Lab, Western University
No classification provided (evidence only). Condition: Cholangiocarcinoma. Review status: no classification provided. Collection method: in vitro. Allele origin: not applicable. Functional consequence: retained intron. Not counted in ClinVar's aggregate classification.

Dr. Peter K. Rogan Lab, Western University
No classification provided (evidence only). Condition: Ovarian serous cystadenocarcinoma. Review status: no classification provided. Collection method: in vitro. Allele origin: not applicable. Functional consequence: retained intron. Not counted in ClinVar's aggregate classification.

Dr. Peter K. Rogan Lab, Western University
No classification provided (evidence only). Condition: Ovarian serous cystadenocarcinoma. Review status: no classification provided. Collection method: in vitro. Allele origin: not applicable. Functional consequence: retained intron. Not counted in ClinVar's aggregate classification.

Dr. Peter K. Rogan Lab, Western University
No classification provided (evidence only). Condition: Ovarian serous cystadenocarcinoma. Review status: no classification provided. Collection method: in vitro. Allele origin: not applicable. Functional consequence: retained intron. Not counted in ClinVar's aggregate classification.

Dr. Peter K. Rogan Lab, Western University
No classification provided (evidence only). Condition: Ovarian serous cystadenocarcinoma. Review status: no classification provided. Collection method: in vitro. Allele origin: not applicable. Functional consequence: retained intron. Not counted in ClinVar's aggregate classification.

Dr. Peter K. Rogan Lab, Western University
No classification provided (evidence only). Condition: Uterine carcinosarcoma. Review status: no classification provided. Collection method: in vitro. Allele origin: not applicable. Functional consequence: retained intron. Not counted in ClinVar's aggregate classification.

Dr. Peter K. Rogan Lab, Western University
No classification provided (evidence only). Condition: Malignant tumor of esophagus. Review status: no classification provided. Collection method: in vitro. Allele origin: not applicable. Functional consequence: retained intron. Not counted in ClinVar's aggregate classification.

Dr. Peter K. Rogan Lab, Western University
No classification provided (evidence only). Condition: Malignant tumor of esophagus. Review status: no classification provided. Collection method: in vitro. Allele origin: not applicable. Functional consequence: retained intron. Not counted in ClinVar's aggregate classification.

Dr. Peter K. Rogan Lab, Western University
No classification provided (evidence only). Condition: Malignant tumor of esophagus. Review status: no classification provided. Collection method: in vitro. Allele origin: not applicable. Functional consequence: retained intron. Not counted in ClinVar's aggregate classification.